The following is an entry in ClinVar:

NM_001369.3(DNAH5):c.8489_8490dup (p.Ala2831Ter)

Gene: DNAH5 (dynein axonemal heavy chain 5; minus strand). Cytogenetic location: 5p15.2.
Variant type: Microsatellite.
Coding change: c.8489_8490dup on transcript NM_001369.3 (MANE Select); coding-DNA positions 8489 to 8490, 2 bases duplicated (TA; older notation c.8489_8490dupTA).
Protein change: p.Ala2831Ter; replaces alanine 2831 with a stop codon.
Molecular consequence: nonsense.
Genome position (GRCh38, 1-based): chr5:13,788,873-13,788,874, TA duplicated on the plus strand (TA on the coding strand, the reverse complement: DNAH5 is on the minus strand); duplicating any 2 consecutive bases within chr5:13,788,873-13,788,876 gives the same sequence; the c. name uses the placement nearest the transcript's 3' end. VCF-style (leftmost placement, unchanged base first): chr5-13788872-C-CTA. GRCh37 (hg19) VCF-style: chr5-13788981-C-CTA.
Other names: short protein forms A2831*.
Identifiers: ClinVar variation 1451516 (VCV001451516.6), dbSNP rs2126882899, ClinGen allele CA2580613518.

ClinVar aggregate classification (germline): Pathogenic (1 of 4 stars; one submission).

Conditions:
Primary ciliary dyskinesia. Also called: Ciliary dyskinesia. Identifiers: Orphanet 244, MedGen C0008780, MONDO:0016575, HP:0012265.

Submission:

Labcorp Genetics (formerly Invitae), Labcorp
Classification: Pathogenic for Primary ciliary dyskinesia. Last evaluated: 2023-04-04. Review status: criteria provided, single submitter. Criteria: Invitae Variant Classification Sherloc (09022015). Collection method: clinical testing. Allele origin: germline.
Comment: This variant is not present in population databases (gnomAD no frequency). This sequence change creates a premature translational stop signal (p.Ala2831*) in the DNAH5 gene. It is expected to result in an absent or disrupted protein product. Loss-of-function variants in DNAH5 are known to be pathogenic (PMID: 11788826, 16627867). This variant has not been reported in the literature in individuals affected with DNAH5-related conditions. For these reasons, this variant has been classified as Pathogenic.

Literature cited by the submitters: PubMed 11788826; PubMed 16627867.